The following is an entry in ClinVar:

NM_020964.3(EPG5):c.6769A>G (p.Met2257Val)

Gene: EPG5 (ectopic P-granules 5 autophagy tethering factor; minus strand). Cytogenetic location: 18q12.3.
Variant type: single nucleotide variant.
Coding change: c.6769A>G on transcript NM_020964.3 (MANE Select); coding-DNA position 6769, A replaced by G.
Protein change: p.Met2257Val; replaces methionine 2257 with valine.
Molecular consequence: missense variant.
Genome position (GRCh38, 1-based): chr18:45,860,344, T>C on the plus strand (A>G on the coding strand, the complement: EPG5 is on the minus strand). VCF-style: chr18-45860344-T-C. GRCh37 (hg19) VCF-style: chr18-43440309-T-C.
Other names: c.6769A>G, p.Met2257Val (LRG_1234t1); short protein forms M2257V.
Identifiers: ClinVar variation 654033 (VCV000654033.9), dbSNP rs201722679, ClinGen allele CA8948151.

ClinVar aggregate classification (germline): Uncertain significance. Review status: criteria provided, multiple submitters, no conflicts (2 of 4 stars). 2 submissions from 2 submitters: Uncertain significance (2). Last evaluated 2025-01-07.

Conditions:
Vici syndrome (VICIS). Identifiers: Orphanet 1493, MedGen C1855772, MONDO:0009452, OMIM 242840.
Inborn genetic diseases. Identifiers: MedGen C0950123, MeSH D030342.

Allele frequency attached by ClinVar (database versions not stated): ExAC 0.00002; gnomAD 0.00003 and 0.00004; gnomAD exomes 0.00003 and 0.00005; TOPMed 0.00005; ESP Exome Variant Server 0.00008.
gnomAD v4.1: 74 of 1,614,100 alleles (0.0046%); highest among the groups gnomAD compares: Non-Finnish European, 0.0058%; no homozygotes.

Submissions (2):

Labcorp Genetics (formerly Invitae), Labcorp
Classification: Uncertain significance for Vici syndrome. Last evaluated: 2025-01-07. Review status: criteria provided, single submitter. Criteria: Invitae Variant Classification Sherloc (09022015). Collection method: clinical testing. Allele origin: germline.
Comment: This sequence change replaces methionine, which is neutral and non-polar, with valine, which is neutral and non-polar, at codon 2257 of the EPG5 protein (p.Met2257Val). This variant is present in population databases (rs201722679, gnomAD 0.006%). This variant has not been reported in the literature in individuals affected with EPG5-related conditions. ClinVar contains an entry for this variant (Variation ID: 654033). An algorithm developed to predict the effect of missense changes on protein structure and function outputs the following: PolyPhen-2: "Benign". The valine amino acid residue is found in multiple mammalian species, which suggests that this missense change does not adversely affect protein function. In summary, the available evidence is currently insufficient to determine the role of this variant in disease. Therefore, it has been classified as a Variant of Uncertain Significance.

Ambry Genetics
Classification: Uncertain significance for Inborn genetic diseases. Last evaluated: 2024-08-28. Review status: criteria provided, single submitter. Criteria: Ambry Variant Classification Scheme 2023. Collection method: clinical testing. Allele origin: germline.